The following is an entry in ClinVar:

ClinVar aggregate classification (germline): Uncertain significance (1 of 4 stars; one submission).

gnomAD v4.1: 8 of 1,612,908 alleles (0.0005%); highest among the groups gnomAD compares: South Asian, 0.0044%; no homozygotes.

Submission:

Labcorp Genetics (formerly Invitae), Labcorp
Classification: Uncertain significance. Last evaluated: 2022-06-05. Review status: criteria provided, single submitter. Criteria: Invitae Variant Classification Sherloc (09022015). Collection method: clinical testing. Allele origin: germline.
Comment: This variant has not been reported in the literature in individuals affected with TCF3-related conditions. This sequence change replaces arginine, which is basic and polar, with glycine, which is neutral and non-polar, at codon 525 of the TCF3 protein (p.Arg525Gly). This variant is present in population databases (rs145878545, gnomAD 0.007%). Algorithms developed to predict the effect of missense changes on protein structure and function are either unavailable or do not agree on the potential impact of this missense change (SIFT: "Not Available"; PolyPhen-2: "Benign"; Align-GVGD: "Not Available"). In summary, the available evidence is currently insufficient to determine the role of this variant in disease. Therefore, it has been classified as a Variant of Uncertain Significance.

NM_003200.5(TCF3):c.1573C>G (p.Arg525Gly)

Gene: TCF3 (transcription factor 3; minus strand). Cytogenetic location: 19p13.3.
Variant type: single nucleotide variant.
Coding change: c.1573C>G on transcript NM_003200.5 (MANE Select); coding-DNA position 1573, C replaced by G.
Protein change: p.Arg525Gly; replaces arginine 525 with glycine.
Molecular consequence: missense variant.
Genome position (GRCh38, 1-based): chr19:1,615,699, G>C on the plus strand (C>G on the coding strand, the complement: TCF3 is on the minus strand). VCF-style: chr19-1615699-G-C. GRCh37 (hg19) VCF-style: chr19-1615698-G-C.
Other names: c.1573C>G, p.Arg525Gly (NM_001136139.4, NM_001351779.2); c.1570C>G, p.Arg524Gly (NM_001351778.2); short protein forms R525G, R524G.
Identifiers: ClinVar variation 1975124 (VCV001975124.5), dbSNP rs145878545, ClinGen allele CA9049762.